The following is an entry in ClinVar:

GRCh37/hg19 19p12(chr19:22867705-23645194)x4

Genes: ZNF728 (zinc finger protein 728; minus strand), ZNF730 (zinc finger protein 730; plus strand), ZNF91 (zinc finger protein 91; minus strand), ZNF99 (zinc finger protein 99; minus strand). Cytogenetic location: 19p12.
Variant type: copy number gain.
Change: copy number 4 of chr19:22,867,705-23,645,194 (777.5 kb, GRCh37 coordinates, 1-based), cytogenetic band 19p12.
Identifiers: ClinVar variation 503594 (VCV000503594.3).

ClinVar aggregate classification (germline): Uncertain significance (1 of 4 stars; one submission).

Submission:

Clinical Genomics Laboratory, Laboratory for Precision Diagnostics, University of Washington
Classification: Uncertain significance. Last evaluated: 2017-09-08. Review status: criteria provided, single submitter. Criteria: Clinical Cytogenomics Laboratory Policy on CNV Interpretation. Collection method: clinical testing. Allele origin: unknown. Affected: yes. Observed: 2 variant alleles.